The following is an entry in ClinVar:

NM_001134673.4(NFIA):c.*52C>T

Gene: NFIA (nuclear factor I A; plus strand). Cytogenetic location: 1p31.3.
Variant type: single nucleotide variant.
Coding change: c.*52C>T on transcript NM_001134673.4 (MANE Select); 52 bases downstream of the stop codon, C replaced by T.
Molecular consequence: 3 prime UTR variant. On other transcripts: missense variant (1).
Genome position (GRCh38, 1-based): chr1:61,455,372, C>T. VCF-style: chr1-61455372-C-T. GRCh37 (hg19) VCF-style: chr1-61921044-C-T.
Other names: c.*52C>T (NM_001145511.2, NM_001145512.2); c.1490C>T, p.Thr497Ile (NM_005595.5); short protein forms T497I.
Identifiers: ClinVar variation 4709235 (VCV004709235.1).
Genomic context (GRCh38, chr1:61,455,372, plus strand): 5'-CTGGGATAAAAGTTGCAGCGTCCCACCATCCACCAGACAGACCACCTGACCCCTTCTCAA[C>T]TCTGTAACATGGACGCAACCTCAACCCAGCGCAGTTACAACTTCACTATCAGCGGAAGGG-3'

ClinVar aggregate classification (germline): Uncertain significance (1 of 4 stars; one submission).

gnomAD v4.1: 1 of 1,614,138 alleles (0.000062%); highest among the groups gnomAD compares: Non-Finnish European, 0.000085%; no homozygotes.

Submission:

Labcorp Genetics (formerly Invitae), Labcorp
Classification: Uncertain significance. Last evaluated: 2025-04-20. Review status: criteria provided, single submitter. Criteria: Invitae Variant Classification Sherloc (09022015). Collection method: clinical testing. Allele origin: germline.
Comment: This sequence change replaces threonine, which is neutral and polar, with isoleucine, which is neutral and non-polar, at codon 497 of the NFIA protein (p.Thr497Ile). This variant is not present in population databases (gnomAD no frequency). This variant has not been reported in the literature in individuals affected with NFIA-related conditions. An algorithm developed to predict the effect of missense changes on protein structure and function (PolyPhen-2) suggests that this variant is likely to be tolerated. In summary, the available evidence is currently insufficient to determine the role of this variant in disease. Therefore, it has been classified as a Variant of Uncertain Significance.